The following is an entry in ClinVar:

NM_001382391.1(CSPP1):c.1083del (p.Met362fs)

Gene: CSPP1 (centrosome and spindle pole associated protein 1; plus strand). Cytogenetic location: 8q13.2.
Variant type: Deletion.
Coding change: c.1083del on transcript NM_001382391.1 (MANE Select); coding-DNA position 1083, one base deleted (G; older notation c.1083delG).
Protein change: p.Met362fs; shifts the reading frame from methionine 362.
Molecular consequence: frameshift variant.
Genome position (GRCh38, 1-based): chr8:67,105,965, G deleted; the last of 3 consecutive G bases (chr8:67,105,963-67,105,965); deleting any one gives the same sequence. VCF-style (leftmost placement, unchanged base first): chr8-67105962-AG-A. GRCh37 (hg19) VCF-style: chr8-68018197-AG-A.
Other names: c.228del, p.Met77fs (NM_001291339.2); c.1002del, p.Met335fs (NM_001363131.2, NM_001363133.2); c.1083del, p.Met362fs (NM_001363132.2); c.1191del, p.Met398fs (NM_001364869.1); c.1011del, p.Met338fs (NM_001364870.1); c.1110delG, p.Met371Cysfs (NM_024790.7); short protein forms M335fs, M362fs, M77fs, M338fs, M371fs, M398fs.
Identifiers: ClinVar variation 2022251 (VCV002022251.4), dbSNP rs2488787902, ClinGen allele CA2580078897.

ClinVar aggregate classification (germline): Pathogenic (1 of 4 stars; one submission).

Conditions:
Joubert syndrome 21 (JBTS21). Identifiers: MedGen C3810212, MONDO:0014288, OMIM 615636.

Submission:

Labcorp Genetics (formerly Invitae), Labcorp
Classification: Pathogenic for Joubert syndrome 21. Last evaluated: 2022-08-06. Review status: criteria provided, single submitter. Criteria: Invitae Variant Classification Sherloc (09022015). Collection method: clinical testing. Allele origin: germline.
Comment: For these reasons, this variant has been classified as Pathogenic. This variant has not been reported in the literature in individuals affected with CSPP1-related conditions. This variant is not present in population databases (gnomAD no frequency). This sequence change creates a premature translational stop signal (p.Met371Cysfs*20) in the CSPP1 gene. It is expected to result in an absent or disrupted protein product. Loss-of-function variants in CSPP1 are known to be pathogenic (PMID: 24360807, 24360808).

Literature cited by the submitters: PubMed 24360807; PubMed 24360808.